The following is an entry in ClinVar:

NM_015272.5(RPGRIP1L):c.1554G>T (p.Met518Ile)

Gene: RPGRIP1L (RPGRIP1 like; minus strand). Cytogenetic location: 16q12.2.
Variant type: single nucleotide variant.
Coding change: c.1554G>T on transcript NM_015272.5 (MANE Select); coding-DNA position 1554, G replaced by T.
Protein change: p.Met518Ile; replaces methionine 518 with isoleucine.
Molecular consequence: missense variant.
Genome position (GRCh38, 1-based): chr16:53,657,480, C>A on the plus strand (G>T on the coding strand, the complement: RPGRIP1L is on the minus strand). VCF-style: chr16-53657480-C-A. GRCh37 (hg19) VCF-style: chr16-53691392-C-A.
Other names: c.1554G>T, p.Met518Ile (NM_001127897.4, NM_001308334.3, NM_001330538.2); short protein forms M518I.
Identifiers: ClinVar variation 4790492 (VCV004790492.1).

ClinVar aggregate classification (germline): Uncertain significance (1 of 4 stars; one submission).

Conditions:
Meckel-Gruber syndrome. Also called: GRUBER SYNDROME; DYSENCEPHALIA SPLANCHNOCYSTICA; Dysencephalia splachnocystica. Identifiers: Orphanet 564, MedGen C0265215, MONDO:0018921.
Joubert syndrome. Also called: Familial aplasia of the vermis; JOUBERT-BOLTSHAUSER SYNDROME; CEREBELLOPARENCHYMAL DISORDER IV. Identifiers: Orphanet 475, MedGen C5979921, MONDO:0018772.

Submission:

Labcorp Genetics (formerly Invitae), Labcorp
Classification: Uncertain significance for Joubert syndrome; Meckel-Gruber syndrome. Last evaluated: 2025-04-08. Review status: criteria provided, single submitter. Criteria: Invitae Variant Classification Sherloc (09022015). Collection method: clinical testing. Allele origin: germline.
Comment: This sequence change replaces methionine, which is neutral and non-polar, with isoleucine, which is neutral and non-polar, at codon 518 of the RPGRIP1L protein (p.Met518Ile). This variant is not present in population databases (gnomAD no frequency). This variant has not been reported in the literature in individuals affected with RPGRIP1L-related conditions. Invitae Evidence Modeling of protein sequence and biophysical properties (such as structural, functional, and spatial information, amino acid conservation, physicochemical variation, residue mobility, and thermodynamic stability) indicates that this missense variant is not expected to disrupt RPGRIP1L protein function with a negative predictive value of 80%. In summary, the available evidence is currently insufficient to determine the role of this variant in disease. Therefore, it has been classified as a Variant of Uncertain Significance.